The following is an entry in ClinVar:

NM_000036.3(AMPD1):c.2173A>G (p.Met725Val)

Gene: AMPD1 (adenosine monophosphate deaminase 1; minus strand). Cytogenetic location: 1p13.2.
Variant type: single nucleotide variant.
Coding change: c.2173A>G on transcript NM_000036.3 (MANE Select); coding-DNA position 2173, A replaced by G.
Protein change: p.Met725Val; replaces methionine 725 with valine.
Molecular consequence: missense variant.
Genome position (GRCh38, 1-based): chr1:114,673,185, T>C on the plus strand (A>G on the coding strand, the complement: AMPD1 is on the minus strand). VCF-style: chr1-114673185-T-C. GRCh37 (hg19) VCF-style: chr1-115215806-T-C.
Other names: c.2161A>G, p.Met721Val (NM_001172626.2); short protein forms M721V, M725V.
Identifiers: ClinVar variation 194583 (VCV000194583.11), dbSNP rs778481612, ClinGen allele CA240630.
Genomic context (GRCh38, chr1:114,673,185, plus strand): 5'-ATTTAAGACCCTCAGCAATTAAATTGAGTTCATAACACCAGGTTTCATAGCGATAGGCCA[T>C]GCGGATTTGGGCTACATTTGTCCTCCGGATATCATTTCCAGCAGGGCCTTCCTCAAGGTA-3'
Protein context (NP_000027.3, residues 715-735): IRRTNVAQIR[Met725Val]AYRYETWCYE

ClinVar aggregate classification (germline): Uncertain significance. Review status: criteria provided, multiple submitters, no conflicts (2 of 4 stars). 2 submissions from 2 submitters: Uncertain significance (2). Last evaluated 2024-11-22.

Conditions:
Muscle AMP deaminase deficiency (MMDD). Also called: Myoadenylate deaminase deficiency, myopathy due to; Adenosine monophosphate deaminase 1 deficiency; AMP deaminase 1 deficiency; Adenosine Monophosphate Deaminase 1; ADENOSINE MONOPHOSPHATE DEAMINASE-1 DEFICIENCY, MYOPATHY DUE TO; AMPD1 DEFICIENCY. Identifiers: Orphanet 45, MedGen C3714933, MONDO:0014220, OMIM 615511.

Allele frequency attached by ClinVar (database versions not stated): gnomAD 0.00002; gnomAD exomes 0.00002 and 0.00008; TOPMed 0.00005; ExAC 0.00007.
gnomAD v4.1: 37 of 1,614,006 alleles (0.0023%); highest among the groups gnomAD compares: East Asian, 0.049%; no homozygotes.

Submissions (2):

Labcorp Genetics (formerly Invitae), Labcorp
Classification: Uncertain significance for Muscle AMP deaminase deficiency. Last evaluated: 2024-11-22. Review status: criteria provided, single submitter. Criteria: Invitae Variant Classification Sherloc (09022015). Collection method: clinical testing. Allele origin: germline.
Comment: This sequence change replaces methionine, which is neutral and non-polar, with valine, which is neutral and non-polar, at codon 758 of the AMPD1 protein (p.Met758Val). This variant is present in population databases (rs778481612, gnomAD 0.1%). This variant has not been reported in the literature in individuals affected with AMPD1-related conditions. ClinVar contains an entry for this variant (Variation ID: 194583). Invitae Evidence Modeling of protein sequence and biophysical properties (such as structural, functional, and spatial information, amino acid conservation, physicochemical variation, residue mobility, and thermodynamic stability) indicates that this missense variant is not expected to disrupt AMPD1 protein function with a negative predictive value of 80%. In summary, the available evidence is currently insufficient to determine the role of this variant in disease. Therefore, it has been classified as a Variant of Uncertain Significance.

Eurofins Ntd Llc (ga)
Classification: Uncertain significance. Last evaluated: 2014-11-06. Review status: criteria provided, single submitter. Criteria: EGL Classification Definitions 2015. Collection method: clinical testing. Allele origin: germline. Observed: 1 variant allele, 1 heterozygote.